The following is an entry in ClinVar:

NM_007294.4(BRCA1):c.2479G>A (p.Glu827Lys)

Gene: BRCA1 (BRCA1 DNA repair associated; minus strand). Cytogenetic location: 17q21.31.
Variant type: single nucleotide variant.
Coding change: c.2479G>A on transcript NM_007294.4 (MANE Select); coding-DNA position 2479, G replaced by A.
Protein change: p.Glu827Lys; replaces glutamic acid 827 with lysine.
Molecular consequence: missense variant. On other transcripts: intron variant (137).
Genome position (GRCh38, 1-based): chr17:43,093,052, C>T on the plus strand (G>A on the coding strand, the complement: BRCA1 is on the minus strand). VCF-style: chr17-43093052-C-T. GRCh37 (hg19) VCF-style: chr17-41245069-C-T.
Other names: c.784+1692G>A (NM_001408400.1, NM_001408392.1, NM_001407986.1 and 13 more transcripts); c.664+1692G>A (NM_001408441.1, NM_001408437.1, NM_001408429.1 and 12 more transcripts); c.787+1692G>A (NM_001407979.1, NM_001407977.1, NM_001407982.1 and 17 more transcripts); c.646+1692G>A (NM_001408410.1, NM_001408458.1, NM_001408469.1 and 11 more transcripts); c.709+1692G>A (NM_001408415.1, NM_001408412.1, NM_001408409.1 and 2 more transcripts); c.577+1692G>A (NM_001408483.1, NM_001408481.1, NM_001408480.1 and 9 more transcripts); c.2476G>A, p.Glu826Lys (NM_001407614.1, NM_001407615.1, NM_001407633.1 and 22 more transcripts); c.2479G>A, p.Glu827Lys (NM_001407616.1, NM_001407617.1, NM_001407618.1 and 30 more transcripts); and 41 more; short protein forms E531K, E659K, E699K, E700K, E715K, E716K, E738K, E739K.
Identifiers: ClinVar variation 1721940 (VCV001721940.9), dbSNP rs1597869731, ClinGen allele CA10597046.

ClinVar aggregate classification (germline): Conflicting classifications of pathogenicity. Review status: criteria provided, conflicting classifications (1 of 4 stars). 3 submissions from 3 submitters: Uncertain significance (2); Likely benign (1). Last evaluated 2026-07-06.

Conditions:
Hereditary cancer-predisposing syndrome. Also called: Tumor predisposition; Hereditary neoplastic syndrome; Neoplastic Syndromes, Hereditary; Hereditary Cancer Syndrome. Identifiers: Orphanet 140162, MedGen C0027672, MeSH D009386, MONDO:0015356.
Hereditary breast ovarian cancer syndrome. Also called: Hereditary breast and ovarian cancer; Hereditary breast and ovarian cancer syndrome; Hereditary breast and ovarian cancer syndrome (HBOC); BRCA1- and BRCA2-Associated Hereditary Breast and Ovarian Cancer; Breast and ovarian cancer; Hereditary breast and/or ovarian cancer syndrome. Identifiers: Orphanet 145, MedGen C0677776, MeSH D061325, MONDO:0003582. Disease mechanism: loss of function.

Submissions (3):

Ambry Genetics
Classification: Uncertain significance for Hereditary cancer-predisposing syndrome. Last evaluated: 2026-07-06. Review status: criteria provided, single submitter. Criteria: Ambry Variant Classification Scheme 2023. Collection method: clinical testing. Allele origin: germline.
Comment: The p.E827K variant (also known as c.2479G>A), located in coding exon 9 of the BRCA1 gene, results from a G to A substitution at nucleotide position 2479. The glutamic acid at codon 827 is replaced by lysine, an amino acid with similar properties. This amino acid position is conserved. In addition, the in silico prediction for this alteration is inconclusive. Based on the available evidence, the clinical significance of this variant remains unclear.

University of Washington Department of Laboratory Medicine, University of Washington
Classification: Likely benign for Hereditary cancer-predisposing syndrome. Last evaluated: 2023-03-23. Review status: criteria provided, single submitter. Criteria: Dines et al. (Genet Med. 2020). Collection method: curation. Allele origin: germline.
Comment: Missense variant in a coldspot region where missense variants are very unlikely to be pathogenic (PMID:31911673).

BRCA1 coldspot (exon 11 using historical exon numbering). Reclassification based on statistical prior probability

Labcorp Genetics (formerly Invitae), Labcorp
Classification: Uncertain significance for Hereditary breast ovarian cancer syndrome. Last evaluated: 2022-10-20. Review status: criteria provided, single submitter. Criteria: Invitae Variant Classification Sherloc (09022015). Collection method: clinical testing. Allele origin: germline.
Comment: This sequence change replaces glutamic acid, which is acidic and polar, with lysine, which is basic and polar, at codon 827 of the BRCA1 protein (p.Glu827Lys). This variant is not present in population databases (gnomAD no frequency). This variant has not been reported in the literature in individuals affected with BRCA1-related conditions. Advanced modeling of protein sequence and biophysical properties (such as structural, functional, and spatial information, amino acid conservation, physicochemical variation, residue mobility, and thermodynamic stability) performed at Invitae indicates that this missense variant is not expected to disrupt BRCA1 protein function. In summary, the available evidence is currently insufficient to determine the role of this variant in disease. Therefore, it has been classified as a Variant of Uncertain Significance.